The following is an entry in ClinVar:

ClinVar aggregate classification (germline): Uncertain significance. Review status: criteria provided, multiple submitters, no conflicts (2 of 4 stars). 2 submissions from 2 submitters: Uncertain significance (2). Last evaluated 2026-01-06.

Conditions:
Inborn genetic diseases. Identifiers: MedGen C0950123, MeSH D030342.
Facioscapulohumeral muscular dystrophy 2 (FSHD2). Also called: FACIOSCAPULOHUMERAL MUSCULAR DYSTROPHY 2, DIGENIC; FSHD2, DIGENIC; MUSCULAR DYSTROPHY, FACIOSCAPULOHUMERAL, TYPE 1B. Identifiers: Orphanet 269, MedGen C1834671, MONDO:0008031, OMIM 158901.

Allele frequency attached by ClinVar (database versions not stated): gnomAD exomes 0.00002; gnomAD 0.00003; TOPMed 0.00003; ExAC 0.00004; ESP Exome Variant Server 0.00017.

Submissions (2):

Labcorp Genetics (formerly Invitae), Labcorp
Classification: Uncertain significance for Facioscapulohumeral muscular dystrophy 2. Last evaluated: 2026-01-06. Review status: criteria provided, single submitter. Criteria: Invitae Variant Classification Sherloc (09022015). Collection method: clinical testing. Allele origin: germline.
Comment: This sequence change replaces glutamic acid, which is acidic and polar, with lysine, which is basic and polar, at codon 37 of the SMCHD1 protein (p.Glu37Lys). This variant is present in population databases (rs373431539, gnomAD 0.005%). This variant has not been reported in the literature in individuals affected with SMCHD1-related conditions. ClinVar contains an entry for this variant (Variation ID: 2051994). An algorithm developed to predict the effect of missense changes on protein structure and function (PolyPhen-2) suggests that this variant is likely to be tolerated. In summary, the available evidence is currently insufficient to determine the role of this variant in disease. Therefore, it has been classified as a Variant of Uncertain Significance.

Ambry Genetics
Classification: Uncertain significance for Inborn genetic diseases. Last evaluated: 2025-03-26. Review status: criteria provided, single submitter. Criteria: Ambry Variant Classification Scheme 2023. Collection method: clinical testing. Allele origin: germline.

NM_015295.3(SMCHD1):c.109G>A (p.Glu37Lys)

Gene: SMCHD1 (structural maintenance of chromosomes flexible hinge domain containing 1; plus strand). Cytogenetic location: 18p11.32.
Variant type: single nucleotide variant.
Coding change: c.109G>A on transcript NM_015295.3 (MANE Select); coding-DNA position 109, G replaced by A.
Protein change: p.Glu37Lys; replaces glutamic acid 37 with lysine.
Molecular consequence: missense variant.
Genome position (GRCh38, 1-based): chr18:2,656,184, G>A. VCF-style: chr18-2656184-G-A. GRCh37 (hg19) VCF-style: chr18-2656183-G-A.
Other names: c.109G>A (NM_015295.2); short protein forms E37K.
Identifiers: ClinVar variation 2051994 (VCV002051994.5), dbSNP rs373431539, ClinGen allele CA8870458.